The following is an entry in ClinVar:

ClinVar aggregate classification (germline): Uncertain significance. Review status: criteria provided, multiple submitters, no conflicts (2 of 4 stars). 2 submissions from 2 submitters: Uncertain significance (2). Last evaluated 2025-06-01.

Allele frequency attached by ClinVar (database versions not stated): ExAC 0.00001; gnomAD exomes 0.00001; gnomAD 0.00002; TOPMed 0.00002.
gnomAD v4.1: 12 of 1,613,534 alleles (0.00074%); highest among the groups gnomAD compares: Middle Eastern, 0.017%; no homozygotes.

Submissions (2):

CeGaT Center for Human Genetics Tuebingen
Classification: Uncertain significance. Last evaluated: 2025-06-01. Review status: criteria provided, single submitter. Criteria: CeGaT Center For Human Genetics Tuebingen Variant Classification Criteria Version 2. Collection method: clinical testing. Allele origin: germline. Affected: yes. Observed: 1 variant allele.
Comment: PYCR1: PM2, BP4

Labcorp Genetics (formerly Invitae), Labcorp
Classification: Uncertain significance. Last evaluated: 2024-02-24. Review status: criteria provided, single submitter. Criteria: Invitae Variant Classification Sherloc (09022015). Collection method: clinical testing. Allele origin: germline.
Comment: This sequence change replaces alanine, which is neutral and non-polar, with valine, which is neutral and non-polar, at codon 84 of the PYCR1 protein (p.Ala84Val). This variant is present in population databases (rs780501281, gnomAD 0.004%). This variant has not been reported in the literature in individuals affected with PYCR1-related conditions. ClinVar contains an entry for this variant (Variation ID: 1355615). Advanced modeling of protein sequence and biophysical properties (such as structural, functional, and spatial information, amino acid conservation, physicochemical variation, residue mobility, and thermodynamic stability) performed at Invitae indicates that this missense variant is not expected to disrupt PYCR1 protein function with a negative predictive value of 80%. In summary, the available evidence is currently insufficient to determine the role of this variant in disease. Therefore, it has been classified as a Variant of Uncertain Significance.

NM_006907.4(PYCR1):c.251C>T (p.Ala84Val)

Gene: PYCR1 (pyrroline-5-carboxylate reductase 1; minus strand). Cytogenetic location: 17q25.3.
Variant type: single nucleotide variant.
Coding change: c.251C>T on transcript NM_006907.4 (MANE Select); coding-DNA position 251, C replaced by T.
Protein change: p.Ala84Val; replaces alanine 84 with valine.
Molecular consequence: missense variant.
Genome position (GRCh38, 1-based): chr17:81,935,404, G>A on the plus strand (C>T on the coding strand, the complement: PYCR1 is on the minus strand). VCF-style: chr17-81935404-G-A. GRCh37 (hg19) VCF-style: chr17-79893280-G-A.
Other names: c.251C>T, p.Ala84Val (NM_001282279.2, NM_001282280.2, NM_001330523.2 and 1 more transcripts); c.332C>T, p.Ala111Val (NM_001282281.2); short protein forms A84V, A111V.
Identifiers: ClinVar variation 1355615 (VCV001355615.15), dbSNP rs780501281, ClinGen allele CA8845517.